The following is an entry in ClinVar:

ClinVar aggregate classification (germline): Uncertain significance (1 of 4 stars; one submission).

Conditions:
Neuroblastoma, susceptibility to, 3. Also called: ALK-Related Neuroblastic Tumor Susceptibility. Identifiers: Orphanet 635, MedGen C2751681, MONDO:0013083, OMIM 613014.

Allele frequency attached by ClinVar (database versions not stated): gnomAD exomes below 0.00001.

Submission:

Labcorp Genetics (formerly Invitae), Labcorp
Classification: Uncertain significance for Neuroblastoma, susceptibility to, 3. Last evaluated: 2023-12-11. Review status: criteria provided, single submitter. Criteria: Invitae Variant Classification Sherloc (09022015). Collection method: clinical testing. Allele origin: germline.
Comment: This sequence change replaces methionine, which is neutral and non-polar, with isoleucine, which is neutral and non-polar, at codon 1478 of the ALK protein (p.Met1478Ile). This variant is not present in population databases (gnomAD no frequency). This variant has not been reported in the literature in individuals affected with ALK-related conditions. An algorithm developed to predict the effect of missense changes on protein structure and function (PolyPhen-2) suggests that this variant is likely to be tolerated. In summary, the available evidence is currently insufficient to determine the role of this variant in disease. Therefore, it has been classified as a Variant of Uncertain Significance.

NM_004304.5(ALK):c.4434G>A (p.Met1478Ile)

Gene: ALK (ALK receptor tyrosine kinase; minus strand). Cytogenetic location: 2p23.2.
Variant type: single nucleotide variant.
Coding change: c.4434G>A on transcript NM_004304.5 (MANE Select); coding-DNA position 4434, G replaced by A.
Protein change: p.Met1478Ile; replaces methionine 1478 with isoleucine.
Molecular consequence: missense variant.
Genome position (GRCh38, 1-based): chr2:29,193,653, C>T on the plus strand (G>A on the coding strand, the complement: ALK is on the minus strand). VCF-style: chr2-29193653-C-T. GRCh37 (hg19) VCF-style: chr2-29416519-C-T.
Other names: c.1230G>A, p.Met410Ile (NM_001353765.2); short protein forms M1478I, M410I.
Identifiers: ClinVar variation 2702167 (VCV002702167.3), dbSNP rs2465874164, ClinGen allele CA346462109.